The following is an entry in ClinVar:

NM_020987.5(ANK3):c.773C>T (p.Ala258Val)

Gene: ANK3 (ankyrin 3; minus strand). Cytogenetic location: 10q21.2.
Variant type: single nucleotide variant.
Coding change: c.773C>T on transcript NM_020987.5 (MANE Select); coding-DNA position 773, C replaced by T.
Protein change: p.Ala258Val; replaces alanine 258 with valine.
Molecular consequence: missense variant.
Genome position (GRCh38, 1-based): chr10:60,261,884, G>A on the plus strand (C>T on the coding strand, the complement: ANK3 is on the minus strand). VCF-style: chr10-60261884-G-A. GRCh37 (hg19) VCF-style: chr10-62021642-G-A.
Other names: c.755C>T, p.Ala252Val (NM_001204403.2); c.722C>T, p.Ala241Val (NM_001204404.2); c.773C>T, p.Ala258Val (NM_001320874.2); short protein forms A241V, A252V, A258V.
Identifiers: ClinVar variation 2662691 (VCV002662691.1), dbSNP rs140444175, ClinGen allele CA5513328.
Genomic context (GRCh38, chr10:60,261,884, plus strand): 5'-TGCTTTAAAGGTATTACACATTGCTGTGCTCTTACCCTTGCGGTGAAATCCACAGCAGCC[G>A]CTCGGTTTAACAGCAACGTGGCTACATTGATATTTCCATAGTGAGCAGCTATGTGGAGCG-3'
Protein context (NP_066267.2, residues 248-268): INVATLLLNR[Ala258Val]AAVDFTARND

ClinVar aggregate classification (germline): Uncertain significance (1 of 4 stars; one submission).

Allele frequency attached by ClinVar (database versions not stated): ExAC 0.00002; 1000 Genomes Project 30x 0.00016; 1000 Genomes Project 0.00020.
gnomAD v4.1: 6 of 1,613,946 alleles (0.00037%); highest among the groups gnomAD compares: East Asian, 0.0045%; no homozygotes.

Submission:

GeneDx
Classification: Uncertain significance. Last evaluated: 2023-07-09. Review status: criteria provided, single submitter. Criteria: GeneDx Variant Classification Process June 2021. Collection method: clinical testing. Allele origin: germline. Affected: yes.
Comment: Not observed at significant frequency in large population cohorts (gnomAD); In silico analysis supports that this missense variant has a deleterious effect on protein structure/function; Has not been previously published as pathogenic or benign to our knowledge; Variants in candidate genes are classified as variants of uncertain significance in accordance with ACMG guidelines (Richards et al., 2015)